The following is an entry in ClinVar:

ClinVar aggregate classification (germline): Uncertain significance. Review status: criteria provided, multiple submitters, no conflicts (2 of 4 stars). 3 submissions from 3 submitters: Uncertain significance (3). Last evaluated 2026-02-25.

Conditions:
Paroxysmal nonkinesigenic dyskinesia. Also called: Paroxysmal non-kinesigenic dyskinesia. Identifiers: Orphanet 98810, MedGen C1869117, MONDO:0700088.
Inborn genetic diseases. Identifiers: MedGen C0950123, MeSH D030342.

Allele frequency attached by ClinVar (database versions not stated): gnomAD exomes 0.00002 and 0.00004; ExAC 0.00003.
gnomAD v4.1: 58 of 1,610,474 alleles (0.0036%); highest among the groups gnomAD compares: Non-Finnish European, 0.0046%; no homozygotes.

Submissions (3):

GeneDx
Classification: Uncertain significance. Last evaluated: 2026-02-25. Review status: criteria provided, single submitter. Criteria: GeneDx Variant Classification Process June 2021. Collection method: clinical testing. Allele origin: germline.
Comment: In silico analysis supports that this missense variant has a deleterious effect on protein structure/function; Has not been previously published as pathogenic or benign to our knowledge

Ambry Genetics
Classification: Uncertain significance for Inborn genetic diseases. Last evaluated: 2025-01-15. Review status: criteria provided, single submitter. Criteria: Ambry Variant Classification Scheme 2023. Collection method: clinical testing. Allele origin: germline.

Labcorp Genetics (formerly Invitae), Labcorp
Classification: Uncertain significance for Paroxysmal nonkinesigenic dyskinesia. Last evaluated: 2024-10-25. Review status: criteria provided, single submitter. Criteria: Invitae Variant Classification Sherloc (09022015). Collection method: clinical testing. Allele origin: germline.
Comment: This sequence change replaces arginine, which is basic and polar, with tryptophan, which is neutral and slightly polar, at codon 152 of the PNKD protein (p.Arg152Trp). This variant is present in population databases (rs756863425, gnomAD 0.007%). This variant has not been reported in the literature in individuals affected with PNKD-related conditions. ClinVar contains an entry for this variant (Variation ID: 468631). Invitae Evidence Modeling of protein sequence and biophysical properties (such as structural, functional, and spatial information, amino acid conservation, physicochemical variation, residue mobility, and thermodynamic stability) indicates that this missense variant is not expected to disrupt PNKD protein function with a negative predictive value of 80%. In summary, the available evidence is currently insufficient to determine the role of this variant in disease. Therefore, it has been classified as a Variant of Uncertain Significance.

NM_015488.5(PNKD):c.454C>T (p.Arg152Trp)

Genes: CATIP-AS2 (CATIP antisense RNA 2; minus strand), PNKD (PNKD metallo-beta-lactamase domain containing; plus strand). Cytogenetic location: 2q35.
Variant type: single nucleotide variant.
Coding change: c.454C>T on transcript NM_015488.5 (MANE Select); coding-DNA position 454, C replaced by T.
Protein change: p.Arg152Trp; replaces arginine 152 with tryptophan.
Molecular consequence: missense variant.
Genome position (GRCh38, 1-based): chr2:218,340,130, C>T. VCF-style: chr2-218340130-C-T. GRCh37 (hg19) VCF-style: chr2-219204853-C-T.
Other names: c.382C>T, p.Arg128Trp (NM_022572.5); short protein forms R152W, R128W.
Identifiers: ClinVar variation 468631 (VCV000468631.9), dbSNP rs756863425, ClinGen allele CA2103950.